The following is an entry in ClinVar:

ClinVar aggregate classification (germline): Pathogenic/Likely pathogenic. Review status: criteria provided, multiple submitters, no conflicts (2 of 4 stars). 2 submissions from 2 submitters: Pathogenic (1); Likely pathogenic (1). Last evaluated 2022-01-04.

Conditions:
Hereditary cancer-predisposing syndrome. Also called: Neoplastic Syndromes, Hereditary; Tumor predisposition; Hereditary Cancer Syndrome; Hereditary neoplastic syndrome. Identifiers: Orphanet 140162, MedGen C0027672, MeSH D009386, MONDO:0015356.

Submissions (2):

Genetic Services Laboratory, University of Chicago
Classification: Likely pathogenic. Last evaluated: 2022-01-04. Review status: criteria provided, single submitter. Criteria: ACMG Guidelines, 2015. Collection method: clinical testing. Allele origin: germline. Affected: yes.
Comment: This sequence change results in an amino acid frameshift and creates a premature stop codon 2 amino acids downstream of the variant, p.Thr2077Ilefs*2. This sequence change is not expected to result in nonsense-mediated decay, but disrupt the C terminus of the APC protein. This sequence change is absent in the gnomAD population database. This sequence change does not appear to have been previously described in individuals with APC-related disorders. However, downstream truncating variants have been reported in individuals with APC-related familial adenomatous polyposis (PMID: 23159591). Collectively this evidence indicates that the c.6230_6236del is likely pathogenic, however functional studies have not been performed to prove this conclusively.

Ambry Genetics
Classification: Pathogenic for Hereditary cancer-predisposing syndrome. Last evaluated: 2021-08-16. Review status: criteria provided, single submitter. Criteria: Ambry Variant Classification Scheme 2023. Collection method: clinical testing. Allele origin: germline.
Comment: The c.6230_6236delCACTTGA pathogenic mutation, located in coding exon 15 of the APC gene, results from a deletion of 7 nucleotides at nucleotide positions 6230 to 6236, causing a translational frameshift with a predicted alternate stop codon (p.T2077Ifs*2). This alteration occurs at the 3' terminus of theAPC gene, is not expected to trigger nonsense-mediated mRNA decay, and only impacts the last 767 amnio acids of the protein. However, premature stop codons are typically deleterious in nature, and the impacted region is critical for protein function (Ambry internal data). This variant is considered to be rare based on population cohorts in the Genome Aggregation Database (gnomAD). Based on the supporting evidence, this alteration is interpreted as a disease-causing mutation.

NM_000038.6(APC):c.6230_6236del (p.Thr2077fs)

Gene: APC (APC regulator of Wnt signaling pathway; plus strand). Cytogenetic location: 5q22.2.
Variant type: Deletion.
Coding change: c.6230_6236del on transcript NM_000038.6 (MANE Select); coding-DNA positions 6230 to 6236, 7 bases deleted (CACTTGA; older notation c.6230_6236delCACTTGA).
Protein change: p.Thr2077fs; shifts the reading frame from threonine 2077.
Molecular consequence: frameshift variant.
Genome position (GRCh38, 1-based): chr5:112,841,824-112,841,830, CACTTGA deleted; deleting any 7 consecutive bases within chr5:112,841,821-112,841,830 gives the same sequence; the c. name uses the placement nearest the transcript's 3' end. VCF-style (leftmost placement, unchanged base first): chr5-112841820-CTGACACT-C. GRCh37 (hg19) VCF-style: chr5-112177517-CTGACACT-C.
Other names: c.6146_6152del, p.Thr2049fs (NM_001354899.2); c.6107_6113del, p.Thr2036fs (NM_001354900.2); c.6053_6059del, p.Thr2018fs (NM_001354901.2); c.5957_5963del, p.Thr1986fs (NM_001354902.2); c.5927_5933del, p.Thr1976fs (NM_001354903.2); c.5852_5858del, p.Thr1951fs (NM_001354904.2); c.5750_5756del, p.Thr1917fs (NM_001354905.2); c.5381_5387del, p.Thr1794fs (NM_001354906.2); and 6 more; short protein forms T1794fs, T1917fs, T1951fs, T1976fs, T1986fs, T2018fs, T2036fs, T2049fs.
Identifiers: ClinVar variation 1338635 (VCV001338635.6), dbSNP rs2149960139, ClinGen allele CA2573052392.
Genomic context (GRCh38, chr5:112,841,820, plus strand): 5'-CTCAAGGGTGATAATGAAAAACATAGTCCCAGAAATATGGGTGGCATATTAGGTGAAGAT[CTGACACT>C]TGATTTGAAAGATATACAGAGACCAGATTCAGAACATGGTCTATCCCCTGATTCAGAAAA-3'